The following is an entry in ClinVar:

NM_024675.4(PALB2):c.1645del (p.His549fs)

Gene: PALB2 (partner and localizer of BRCA2; minus strand). Cytogenetic location: 16p12.2.
Variant type: Deletion.
Coding change: c.1645del on transcript NM_024675.4 (MANE Select); coding-DNA position 1645, one base deleted (C; older notation c.1645delC).
Protein change: p.His549fs; shifts the reading frame from histidine 549.
Molecular consequence: frameshift variant. On other transcripts: intron variant (3).
Genome position (GRCh38, 1-based): chr16:23,634,901, G deleted on the plus strand (C on the coding strand, the reverse complement: PALB2 is on the minus strand). VCF-style (leftmost placement, unchanged base first): chr16-23634900-TG-T. GRCh37 (hg19) VCF-style: chr16-23646221-TG-T.
Other names: c.1585del, p.His529fs (NM_001407296.1); c.1645del, p.His549fs (NM_001407297.1, NM_001407298.1, NM_001407299.1 and 3 more transcripts); c.760del, p.His254fs (NM_001407304.1, NM_001407305.1, NM_001407306.1 and 5 more transcripts); c.49-5626del (NM_001407314.1); c.-104-4432del (NM_001407313.1, NM_001407312.1); short protein forms H254fs, H529fs, H549fs.
Identifiers: ClinVar variation 2674037 (VCV002674037.1), dbSNP rs2506470483, ClinGen allele CA2695197544.
Genomic context (GRCh38, chr16:23,634,900, plus strand): 5'-CATCAAACACATCTTGATTTACCTTTCACTTGAATAAATAATTTTTCGTGCTGATATTTG[TG>T]TGAGGTGACTTCTTCCTTGGACCTGTTAACAATCGACAGGCTAGAAGTTGGCAAAAGTGG-3'

ClinVar aggregate classification (germline): Pathogenic (1 of 4 stars; one submission).

Conditions:
Familial cancer of breast. Also called: Hereditary breast cancer; BREAST CANCER, FAMILIAL; hereditary breast carcinoma. Identifiers: Orphanet 227535, MedGen C0346153, MONDO:0016419, OMIM 114480. Disease mechanism: loss of function.

Submission:

Myriad Genetics, Inc.
Classification: Pathogenic for Familial cancer of breast. Last evaluated: 2023-09-11. Review status: criteria provided, single submitter. Criteria: Myriad Autosomal Dominant, Autosomal Recessive and X-Linked Classification Criteria (2023). Collection method: clinical testing. Allele origin: unknown.
Comment: This variant is considered pathogenic. This variant creates a frameshift predicted to result in premature protein truncation.